The following is an entry in ClinVar:

ClinVar aggregate classification (germline): Conflicting classifications of pathogenicity. Review status: criteria provided, conflicting classifications (1 of 4 stars). 2 submissions from 2 submitters: Pathogenic (1); Uncertain significance (1). Last evaluated 2022-10-28.

Submissions (2):

Labcorp Genetics (formerly Invitae), Labcorp
Classification: Pathogenic. Last evaluated: 2022-10-28. Review status: criteria provided, single submitter. Criteria: Invitae Variant Classification Sherloc (09022015). Collection method: clinical testing. Allele origin: germline.
Comment: This variant is not present in population databases (gnomAD no frequency). For these reasons, this variant has been classified as Pathogenic. This variant disrupts a region of the MERTK protein in which other variant(s) (p.Glu859Valfs*36) have been determined to be pathogenic (Invitae). This suggests that this is a clinically significant region of the protein, and that variants that disrupt it are likely to be disease-causing. ClinVar contains an entry for this variant (Variation ID: 963422). This variant has not been reported in the literature in individuals affected with MERTK-related conditions. This sequence change creates a premature translational stop signal (p.Lys856Thrfs*7) in the MERTK gene. While this is not anticipated to result in nonsense mediated decay, it is expected to disrupt the last 144 amino acid(s) of the MERTK protein.

Blueprint Genetics
Classification: Uncertain significance. Last evaluated: 2019-10-10. Review status: criteria provided, single submitter. Criteria: ACMG Guidelines, 2015. Collection method: clinical testing. Allele origin: germline.

NM_006343.3(MERTK):c.2567_2568del (p.Lys856fs)

Gene: MERTK (MER proto-oncogene, tyrosine kinase; plus strand). Cytogenetic location: 2q13.
Variant type: Deletion.
Coding change: c.2567_2568del on transcript NM_006343.3 (MANE Select); coding-DNA positions 2567 to 2568, 2 bases deleted (AA; older notation c.2567_2568delAA).
Protein change: p.Lys856fs; shifts the reading frame from lysine 856.
Molecular consequence: frameshift variant.
Genome position (GRCh38, 1-based): chr2:112,028,431-112,028,432, AA deleted; deleting any 2 consecutive bases within chr2:112,028,428-112,028,432 gives the same sequence; the c. name uses the placement nearest the transcript's 3' end. VCF-style (leftmost placement, unchanged base first): chr2-112028427-GAA-G. GRCh37 (hg19) VCF-style: chr2-112786004-GAA-G.
Other names: short protein forms K856fs.
Identifiers: ClinVar variation 963422 (VCV000963422.10), dbSNP rs1677514061, ClinGen allele CA1139657183.